The following is an entry in ClinVar:

NM_015512.5(DNAH1):c.9563C>T (p.Thr3188Ile)

Gene: DNAH1 (dynein axonemal heavy chain 1; plus strand). Cytogenetic location: 3p21.1.
Variant type: single nucleotide variant.
Coding change: c.9563C>T on transcript NM_015512.5 (MANE Select); coding-DNA position 9563, C replaced by T.
Protein change: p.Thr3188Ile; replaces threonine 3188 with isoleucine.
Molecular consequence: missense variant.
Genome position (GRCh38, 1-based): chr3:52,389,528, C>T. VCF-style: chr3-52389528-C-T. GRCh37 (hg19) VCF-style: chr3-52423544-C-T.
Other names: short protein forms T3188I.
Identifiers: ClinVar variation 4788472 (VCV004788472.1).
Genomic context (GRCh38, chr3:52,389,528, plus strand): 5'-ACCGCACGGTGCTCTACGACAGCTGGGTCAAGCAGCTCAGGAGCCACAATGTCCCACACA[C>T]CTCCGAGCCCACGCTAATCGGGACGCTGGGGAACCCTGTGAAGATCCGATCGTGGCAGGT-3'
Protein context (NP_056327.4, residues 3178-3198): KQLRSHNVPH[Thr3188Ile]SEPTLIGTLG

ClinVar aggregate classification (germline): Uncertain significance (1 of 4 stars; one submission).

Conditions:
Ciliary dyskinesia, primary, 37 (CILD37). Also called: CILIARY DYSKINESIA, PRIMARY, 37, WITH OR WITHOUT SITUS INVERSUS. Identifiers: MedGen C4539798, MONDO:0033204, OMIM 617577.
Spermatogenic failure 18. Identifiers: MedGen C4539783, MONDO:0054615, OMIM 617576.

gnomAD v4.1: 2 of 1,586,734 alleles (0.00013%); highest among the groups gnomAD compares: East Asian, 0.0023%; no homozygotes.

Submission:

Labcorp Genetics (formerly Invitae), Labcorp
Classification: Uncertain significance for Ciliary dyskinesia, primary, 37; Spermatogenic failure 18. Last evaluated: 2025-12-15. Review status: criteria provided, single submitter. Criteria: Invitae Variant Classification Sherloc (09022015). Collection method: clinical testing. Allele origin: germline.
Comment: This sequence change replaces threonine, which is neutral and polar, with isoleucine, which is neutral and non-polar, at codon 3188 of the DNAH1 protein (p.Thr3188Ile). The frequency data for this variant in the population databases is considered unreliable, as metrics indicate poor data quality at this position in the gnomAD database. This variant has not been reported in the literature in individuals affected with DNAH1-related conditions. Invitae Evidence Modeling of protein sequence and biophysical properties (such as structural, functional, and spatial information, amino acid conservation, physicochemical variation, residue mobility, and thermodynamic stability) indicates that this missense variant is not expected to disrupt DNAH1 protein function with a negative predictive value of 80%. In summary, the available evidence is currently insufficient to determine the role of this variant in disease. Therefore, it has been classified as a Variant of Uncertain Significance.